The following is an entry in ClinVar:

NM_133259.4(LRPPRC):c.2559dup (p.Val854fs)

Gene: LRPPRC (leucine rich pentatricopeptide repeat containing; minus strand). Cytogenetic location: 2p21.
Variant type: Duplication.
Coding change: c.2559dup on transcript NM_133259.4 (MANE Select); coding-DNA position 2559, one base duplicated (A; older notation c.2559dupA).
Protein change: p.Val854fs; shifts the reading frame from valine 854.
Molecular consequence: frameshift variant.
Genome position (GRCh38, 1-based): chr2:43,934,824, T duplicated on the plus strand (A on the coding strand, the reverse complement: LRPPRC is on the minus strand); the first of 3 consecutive T bases (chr2:43,934,824-43,934,826); duplicating any one gives the same sequence. VCF-style (leftmost placement, unchanged base first): chr2-43934823-C-CT. GRCh37 (hg19) VCF-style: chr2-44161962-C-CT.
Other names: short protein forms V854fs.
Identifiers: ClinVar variation 2676323 (VCV002676323.2), dbSNP rs1333489321, ClinGen allele CA769060203.

ClinVar aggregate classification (germline): Pathogenic/Likely pathogenic. Review status: criteria provided, multiple submitters, no conflicts (2 of 4 stars). 2 submissions from 2 submitters: Pathogenic (1); Likely pathogenic (1). Last evaluated 2024-11-26.

Conditions:
Congenital lactic acidosis, Saguenay-Lac-Saint-Jean type (MC4DN5). Also called: MITOCHONDRIAL COMPLEX IV DEFICIENCY, NUCLEAR TYPE 5; CYTOCHROME c OXIDASE DEFICIENCY, FRENCH CANADIAN TYPE; COX DEFICIENCY, FRENCH CANADIAN TYPE. Identifiers: Orphanet 70472, MedGen C1857355, MONDO:0009069, OMIM 220111.

Submissions (2):

Myriad Genetics, Inc.
Classification: Pathogenic for Congenital lactic acidosis, Saguenay-Lac-Saint-Jean type. Last evaluated: 2024-11-26. Review status: criteria provided, single submitter. Criteria: Myriad Autosomal Dominant, Autosomal Recessive and X-Linked Classification Criteria (2023). Collection method: clinical testing. Allele origin: unknown.
Comment: NM_133259.3(LRPPRC):c.2559dupA(V854Sfs*7) is expected to be pathogenic in the context of Leigh syndrome, French-Canadian type. This variant is predicted to lead to an abnormal or absent protein product due to the creation of a premature termination codon in LRPPRC, a gene where loss-of-function variants are known to be pathogenic. Please note: this variant was assessed in the context of healthy population screening.

Baylor Genetics
Classification: Likely pathogenic for Congenital lactic acidosis, Saguenay-Lac-Saint-Jean type. Last evaluated: 2023-02-24. Review status: criteria provided, single submitter. Criteria: ACMG Guidelines, 2015. Collection method: clinical testing. Allele origin: unknown.